The following is an entry in ClinVar:

ClinVar aggregate classification (germline): Uncertain significance. Review status: criteria provided, multiple submitters, no conflicts (2 of 4 stars). 2 submissions from 2 submitters: Uncertain significance (2). Last evaluated 2024-09-30.

Conditions:
Developmental and epileptic encephalopathy, 8 (DEE8). Also called: HYPEREKPLEXIA AND EPILEPSY. Identifiers: Orphanet 163985, Orphanet 2076, MedGen C1845102, MONDO:0010375, OMIM 300607.

Submissions (2):

Labcorp Genetics (formerly Invitae), Labcorp
Classification: Uncertain significance for Developmental and epileptic encephalopathy, 8. Last evaluated: 2024-09-30. Review status: criteria provided, single submitter. Criteria: Invitae Variant Classification Sherloc (09022015). Collection method: clinical testing. Allele origin: germline.
Comment: This sequence change replaces aspartic acid, which is acidic and polar, with tyrosine, which is neutral and polar, at codon 369 of the ARHGEF9 protein (p.Asp369Tyr). This variant is not present in population databases (gnomAD no frequency). This variant has not been reported in the literature in individuals affected with ARHGEF9-related conditions. Invitae Evidence Modeling of protein sequence and biophysical properties (such as structural, functional, and spatial information, amino acid conservation, physicochemical variation, residue mobility, and thermodynamic stability) has been performed for this missense variant. However, the output from this modeling did not meet the statistical confidence thresholds required to predict the impact of this variant on ARHGEF9 protein function. In summary, the available evidence is currently insufficient to determine the role of this variant in disease. Therefore, it has been classified as a Variant of Uncertain Significance.

GeneDx
Classification: Uncertain significance. Last evaluated: 2023-12-28. Review status: criteria provided, single submitter. Criteria: GeneDx Variant Classification Process June 2021. Collection method: clinical testing. Allele origin: germline. Affected: yes.
Comment: Not observed at significant frequency in large population cohorts (gnomAD); In silico analysis supports that this missense variant has a deleterious effect on protein structure/function; Has not been previously published as pathogenic or benign to our knowledge

NM_001353921.2(ARHGEF9):c.1126G>T (p.Asp376Tyr)

Gene: ARHGEF9 (Cdc42 guanine nucleotide exchange factor 9; minus strand). Cytogenetic location: Xq11.1.
Variant type: single nucleotide variant.
Coding change: c.1126G>T on transcript NM_001353921.2 (MANE Select); coding-DNA position 1126, G replaced by T.
Protein change: p.Asp376Tyr; replaces aspartic acid 376 with tyrosine.
Molecular consequence: missense variant. On other transcripts: intron variant (2).
Genome position (GRCh38, 1-based): chrX:63,655,689, C>A on the plus strand (G>T on the coding strand, the complement: ARHGEF9 is on the minus strand). VCF-style: chrX-63655689-C-A. GRCh37 (hg19) VCF-style: chrX-62875569-C-A.
Other names: c.946G>T, p.Asp316Tyr (NM_001173479.2); c.799G>T, p.Asp267Tyr (NM_001173480.2, NM_001369042.1); c.1042G>T, p.Asp348Tyr (NM_001330495.2, NM_001369033.1, NM_001369034.1 and 4 more transcripts); c.994G>T, p.Asp332Tyr (NM_001353922.2); c.1144G>T, p.Asp382Tyr (NM_001353923.1); c.925G>T, p.Asp309Tyr (NM_001353924.2, NM_001353926.2, NM_001369039.1 and 1 more transcripts); c.910G>T, p.Asp304Tyr (NM_001353927.2, NM_001369041.1); c.973G>T, p.Asp325Tyr (NM_001353928.2); and 3 more; short protein forms D187Y, D267Y, D304Y, D309Y, D316Y, D325Y, D332Y, D348Y.
Identifiers: ClinVar variation 3064027 (VCV003064027.5), dbSNP rs2519617989, ClinGen allele CA413404731.